The following is an entry in ClinVar:

NM_004655.4(AXIN2):c.1184T>G (p.Leu395Arg)

Gene: AXIN2 (axin 2; minus strand). Cytogenetic location: 17q24.1.
Variant type: single nucleotide variant.
Coding change: c.1184T>G on transcript NM_004655.4 (MANE Select); coding-DNA position 1184, T replaced by G.
Protein change: p.Leu395Arg; replaces leucine 395 with arginine.
Molecular consequence: missense variant.
Genome position (GRCh38, 1-based): chr17:65,538,219, A>C on the plus strand (T>G on the coding strand, the complement: AXIN2 is on the minus strand). VCF-style: chr17-65538219-A-C. GRCh37 (hg19) VCF-style: chr17-63534337-A-C.
Other names: c.1184T>G, p.Leu395Arg (NM_001363813.1); short protein forms L395R.
Identifiers: ClinVar variation 959440 (VCV000959440.8), dbSNP rs1555578450, ClinGen allele CA400678167.
Genomic context (GRCh38, chr17:65,538,219, plus strand): 5'-TCACGCCGTGGACGGAAGCAGGAAGAAGGCCTAGGCCGCATTACCTCTCGGATCTGCTGC[A>C]GGCGCTCCTCCAGGCTGTGGCGGCTCTCCAACTCCAGCTTCAGCTTTTCCAGCCTCGAGA-3'
Protein context (NP_004646.3, residues 385-405): LESRHSLEER[Leu395Arg]QQIREDEERE

ClinVar aggregate classification (germline): Uncertain significance. Review status: criteria provided, multiple submitters, no conflicts (2 of 4 stars). 3 submissions from 3 submitters: Uncertain significance (3). Last evaluated 2025-08-06.

Conditions:
Hereditary cancer-predisposing syndrome. Also called: Tumor predisposition; Hereditary neoplastic syndrome; Neoplastic Syndromes, Hereditary; Hereditary Cancer Syndrome. Identifiers: Orphanet 140162, MedGen C0027672, MeSH D009386, MONDO:0015356.
Oligodontia-cancer predisposition syndrome. Also called: TOOTH AGENESIS-COLORECTAL CANCER SYNDROME. Identifiers: Orphanet 300576, MedGen C1837750, MONDO:0012075, OMIM 608615. Disease mechanism: loss of function.

Submissions (3):

Labcorp Genetics (formerly Invitae), Labcorp
Classification: Uncertain significance for Oligodontia-cancer predisposition syndrome. Last evaluated: 2025-08-06. Review status: criteria provided, single submitter. Criteria: Invitae Variant Classification Sherloc (09022015). Collection method: clinical testing. Allele origin: germline.
Comment: This sequence change replaces leucine, which is neutral and non-polar, with arginine, which is basic and polar, at codon 395 of the AXIN2 protein (p.Leu395Arg). This variant is not present in population databases (gnomAD no frequency). This variant has not been reported in the literature in individuals affected with AXIN2-related conditions. ClinVar contains an entry for this variant (Variation ID: 959440). Invitae Evidence Modeling of protein sequence and biophysical properties (such as structural, functional, and spatial information, amino acid conservation, physicochemical variation, residue mobility, and thermodynamic stability) indicates that this missense variant is expected to disrupt AXIN2 protein function with a positive predictive value of 80%. In summary, the available evidence is currently insufficient to determine the role of this variant in disease. Therefore, it has been classified as a Variant of Uncertain Significance.

Ambry Genetics
Classification: Uncertain significance for Hereditary cancer-predisposing syndrome. Last evaluated: 2024-11-23. Review status: criteria provided, single submitter. Criteria: Ambry Variant Classification Scheme 2023. Collection method: clinical testing. Allele origin: germline.
Comment: The p.L395R variant (also known as c.1184T>G), located in coding exon 4 of the AXIN2 gene, results from a T to G substitution at nucleotide position 1184. The leucine at codon 395 is replaced by arginine, an amino acid with dissimilar properties. This amino acid position is conserved. In addition, this alteration is predicted to be deleterious by in silico analysis. Based on the available evidence, the clinical significance of this variant remains unclear.

GeneDx
Classification: Uncertain significance. Last evaluated: 2023-10-25. Review status: criteria provided, single submitter. Criteria: GeneDx Variant Classification Process June 2021. Collection method: clinical testing. Allele origin: germline. Affected: yes.
Comment: Not observed at significant frequency in large population cohorts (gnomAD); In silico analysis supports that this missense variant has a deleterious effect on protein structure/function; Has not been previously published as pathogenic or benign to our knowledge; This variant is associated with the following publications: (PMID: 15735151)